The following is an entry in ClinVar:

ClinVar aggregate classification (germline): Uncertain significance (1 of 4 stars; one submission).

Submission:

CeGaT Center for Human Genetics Tuebingen
Classification: Uncertain significance. Last evaluated: 2022-08-01. Review status: criteria provided, single submitter. Criteria: CeGaT Center For Human Genetics Tuebingen Variant Classification Criteria Version 2. Collection method: clinical testing. Allele origin: germline. Affected: yes. Observed: 1 variant allele.
Comment: C3: PM2, BP4

NM_000064.4(C3):c.3643A>C (p.Lys1215Gln)

Gene: C3 (complement C3; minus strand). Cytogenetic location: 19p13.3.
Variant type: single nucleotide variant.
Coding change: c.3643A>C on transcript NM_000064.4 (MANE Select); coding-DNA position 3643, A replaced by C.
Protein change: p.Lys1215Gln; replaces lysine 1215 with glutamine.
Molecular consequence: missense variant.
Genome position (GRCh38, 1-based): chr19:6,686,749, T>G on the plus strand (A>C on the coding strand, the complement: C3 is on the minus strand). VCF-style: chr19-6686749-T-G. GRCh37 (hg19) VCF-style: chr19-6686760-T-G.
Other names: short protein forms K1215Q.
Identifiers: ClinVar variation 1711460 (VCV001711460.30), dbSNP rs2512235931, ClinGen allele CA403620502.